The following is an entry in ClinVar:

ClinVar aggregate classification (germline): Uncertain significance. Review status: criteria provided, multiple submitters, no conflicts (2 of 4 stars). 4 submissions from 4 submitters: Uncertain significance (3). 1 of the submissions does not count toward it. Last evaluated 2024-12-12.

Conditions:
Combined malonic and methylmalonic acidemia. Identifiers: Orphanet 289504, MedGen C3280314, MONDO:0013661, OMIM 614265.
Inborn genetic diseases. Identifiers: MedGen C0950123, MeSH D030342.

Allele frequency attached by ClinVar (database versions not stated): gnomAD 0.00007; TOPMed 0.00009; gnomAD exomes 0.00010 and 0.00029; ExAC 0.00012; ESP Exome Variant Server 0.00015.
gnomAD v4.1: 424 of 1,614,020 alleles (0.026%); highest among the groups gnomAD compares: Non-Finnish European, 0.034%; no homozygotes.

Submissions (4):

Ambry Genetics
Classification: Uncertain significance for Inborn genetic diseases. Last evaluated: 2024-12-12. Review status: criteria provided, single submitter. Criteria: Ambry Variant Classification Scheme 2023. Collection method: clinical testing. Allele origin: germline.

Fulgent Genetics
Classification: Uncertain significance for Combined malonic and methylmalonic acidemia. Last evaluated: 2021-10-08. Review status: criteria provided, single submitter. Criteria: ACMG Guidelines, 2015. Collection method: clinical testing. Allele origin: unknown.

Labcorp Genetics (formerly Invitae), Labcorp
Classification: Uncertain significance for Combined malonic and methylmalonic acidemia. Last evaluated: 2021-09-01. Review status: criteria provided, single submitter. Criteria: Invitae Variant Classification Sherloc (09022015). Collection method: clinical testing. Allele origin: germline.
Comment: This sequence change replaces alanine with valine at codon 131 of the ACSF3 protein (p.Ala131Val). The alanine residue is weakly conserved and there is a small physicochemical difference between alanine and valine. This variant is present in population databases (rs148768970, ExAC 0.02%). This variant has not been reported in the literature in individuals affected with ACSF3-related conditions. Algorithms developed to predict the effect of missense changes on protein structure and function (SIFT, PolyPhen-2, Align-GVGD) all suggest that this variant is likely to be tolerated. In summary, the available evidence is currently insufficient to determine the role of this variant in disease. Therefore, it has been classified as a Variant of Uncertain Significance.

Department of Pathology and Laboratory Medicine, Sinai Health System
Classification: Uncertain significance. Review status: no assertion criteria provided. Collection method: clinical testing. Allele origin: unknown. Affected: yes. Study: The Canadian Open Genetics Repository (COGR). Not counted in ClinVar's aggregate classification.
Comment: The ACSF3 p.Ala131Val variant was not identified in the literature nor was it identified in ClinVar. The variant was identified in dbSNP (ID: rs148768970) and LOVD 3.0 (variant effect not shared). The variant was identified in control databases in 26 of 282654 chromosomes at a frequency of 0.00009199 (Genome Aggregation Database March 6, 2019, v2.1.1). The variant was observed in the following populations: European (non-Finnish) in 24 of 129048 chromosomes (freq: 0.000186), African in 1 of 24942 chromosomes (freq: 0.00004) and Latino in 1 of 35432 chromosomes (freq: 0.000028), but was not observed in the Ashkenazi Jewish, East Asian, European (Finnish), Other, or South Asian populations. The p.Ala131 residue is not conserved in mammals and computational analyses (PolyPhen-2, SIFT, AlignGVGD, BLOSUM, MutationTaster) do not suggest a high likelihood of impact to the protein; however, this information is not predictive enough to rule out pathogenicity. The variant occurs outside of the splicing consensus sequence and in silico or computational prediction software programs (SpliceSiteFinder, MaxEntScan, NNSPLICE, GeneSplicer) do not predict a difference in splicing. In summary, based on the above information the clinical significance of this variant cannot be determined with certainty at this time. This variant is classified as a variant of uncertain significance.

NM_001243279.3(ACSF3):c.392C>T (p.Ala131Val)

Gene: ACSF3 (acyl-CoA synthetase family member 3; plus strand). Cytogenetic location: 16q24.3.
Variant type: single nucleotide variant.
Coding change: c.392C>T on transcript NM_001243279.3 (MANE Select); coding-DNA position 392, C replaced by T.
Protein change: p.Ala131Val; replaces alanine 131 with valine.
Molecular consequence: missense variant. On other transcripts: non-coding transcript variant (3), intron variant (1).
Genome position (GRCh38, 1-based): chr16:89,101,073, C>T. VCF-style: chr16-89101073-C-T. GRCh37 (hg19) VCF-style: chr16-89167481-C-T.
Other names: c.392C>T, p.Ala131Val (NM_001127214.4, NM_174917.5); c.-129-1531C>T (NM_001284316.2); c.392C>T (NM_174917.3); short protein forms A131V.
Identifiers: ClinVar variation 1050264 (VCV001050264.6), dbSNP rs148768970, ClinGen allele CA8237641.
Genomic context (GRCh38, chr16:89,101,073, plus strand): 5'-CCCAGTGGGCGTCATGGATGAGTGGCGGTGTGGCAGTCCCCCTCTACAGGAAGCATCCCG[C>T]GGCCCAGCTGGAGTATGTCATCTGCGACTCCCAGAGCTCTGTGGTCCTTGCCAGCCAGGA-3'
Protein context (NP_001230208.1, residues 121-141): VAVPLYRKHP[Ala131Val]AQLEYVICDS